The following is an entry in ClinVar:

ClinVar aggregate classification (germline): Uncertain significance (1 of 4 stars; one submission).

Allele frequency attached by ClinVar (database versions not stated): gnomAD exomes below 0.00001.
gnomAD v4.1: 1 of 1,209,375 alleles (0.000083%); highest among the groups gnomAD compares: Non-Finnish European, 0.00011%; no homozygotes.

Submission:

Labcorp Genetics (formerly Invitae), Labcorp
Classification: Uncertain significance. Last evaluated: 2022-11-08. Review status: criteria provided, single submitter. Criteria: Invitae Variant Classification Sherloc (09022015). Collection method: clinical testing. Allele origin: germline.
Comment: In summary, the available evidence is currently insufficient to determine the role of this variant in disease. Therefore, it has been classified as a Variant of Uncertain Significance. Advanced modeling of protein sequence and biophysical properties (such as structural, functional, and spatial information, amino acid conservation, physicochemical variation, residue mobility, and thermodynamic stability) performed at Invitae indicates that this missense variant is expected to disrupt COL4A6 protein function. This variant has not been reported in the literature in individuals affected with COL4A6-related conditions. This variant is not present in population databases (gnomAD no frequency). This sequence change replaces glycine, which is neutral and non-polar, with valine, which is neutral and non-polar, at codon 888 of the COL4A6 protein (p.Gly888Val).

NM_033641.4(COL4A6):c.2660G>T (p.Gly887Val)

Gene: COL4A6 (collagen type IV alpha 6 chain; minus strand). Cytogenetic location: Xq22.3.
Variant type: single nucleotide variant.
Coding change: c.2660G>T on transcript NM_033641.4 (MANE Select); coding-DNA position 2660, G replaced by T.
Protein change: p.Gly887Val; replaces glycine 887 with valine.
Molecular consequence: missense variant.
Genome position (GRCh38, 1-based): chrX:108,176,867, C>A on the plus strand (G>T on the coding strand, the complement: COL4A6 is on the minus strand). VCF-style: chrX-108176867-C-A. GRCh37 (hg19) VCF-style: chrX-107420097-C-A.
Other names: c.2711G>T, p.Gly904Val (NM_001287758.2); c.2660G>T, p.Gly887Val (NM_001287759.2, NM_001287760.2); c.2663G>T, p.Gly888Val (NM_001847.4); short protein forms G888V, G904V, G887V.
Identifiers: ClinVar variation 1949055 (VCV001949055.5), dbSNP rs2521894550, ClinGen allele CA413858033.